The following is an entry in ClinVar:

ClinVar aggregate classification (germline): Uncertain significance (1 of 4 stars; one submission).

Allele frequency attached by ClinVar (database versions not stated): gnomAD exomes below 0.00001; gnomAD 0.00001; TOPMed 0.00001.
gnomAD v4.1: 4 of 1,608,332 alleles (0.00025%); highest among the groups gnomAD compares: Admixed American, 0.005%; no homozygotes.

Submission:

Labcorp Genetics (formerly Invitae), Labcorp
Classification: Uncertain significance. Last evaluated: 2022-06-04. Review status: criteria provided, single submitter. Criteria: Invitae Variant Classification Sherloc (09022015). Collection method: clinical testing. Allele origin: germline.
Comment: This sequence change replaces serine, which is neutral and polar, with glycine, which is neutral and non-polar, at codon 609 of the C2CD3 protein (p.Ser609Gly). In summary, the available evidence is currently insufficient to determine the role of this variant in disease. Therefore, it has been classified as a Variant of Uncertain Significance. Algorithms developed to predict the effect of sequence changes on RNA splicing suggest that this variant may create or strengthen a splice site. Algorithms developed to predict the effect of missense changes on protein structure and function are either unavailable or do not agree on the potential impact of this missense change (SIFT: "Tolerated"; PolyPhen-2: "Probably Damaging"; Align-GVGD: "Class C0"). This variant has not been reported in the literature in individuals affected with C2CD3-related conditions. This variant is not present in population databases (gnomAD no frequency).

NM_001286577.2(C2CD3):c.1825A>G (p.Ser609Gly)

Gene: C2CD3 (C2 domain containing 3 centriole elongation regulator; minus strand). Cytogenetic location: 11q13.4.
Variant type: single nucleotide variant.
Coding change: c.1825A>G on transcript NM_001286577.2 (MANE Select); coding-DNA position 1825, A replaced by G.
Protein change: p.Ser609Gly; replaces serine 609 with glycine.
Molecular consequence: missense variant.
Genome position (GRCh38, 1-based): chr11:74,113,798, T>C on the plus strand (A>G on the coding strand, the complement: C2CD3 is on the minus strand). VCF-style: chr11-74113798-T-C. GRCh37 (hg19) VCF-style: chr11-73824843-T-C.
Other names: c.1825A>G, p.Ser609Gly (NM_015531.6); short protein forms S609G.
Identifiers: ClinVar variation 1942768 (VCV001942768.3), dbSNP rs1201510064, ClinGen allele CA381836606.
Genomic context (GRCh38, chr11:74,113,798, plus strand): 5'-AGTCAGAATGTCTAAGGTGCAGAAAACCAGTGTGTCTCTTACTTCCATCTGTAATTTTAC[T>C]GGAGGCGAGTCGAACAACCTCAGTGATCAAAGCTGTCTTTCCCAATCCGCTTTCCGAAAA-3'
Protein context (NP_001273506.1, residues 599-619): LITEVVRLAS[Ser609Gly]KITDGKVKFQ